The following is an entry in ClinVar:

NM_000112.4(SLC26A2):c.145del (p.Arg49fs)

Gene: SLC26A2 (solute carrier family 26 member 2; plus strand). Cytogenetic location: 5q32.
Variant type: Deletion.
Coding change: c.145del on transcript NM_000112.4 (MANE Select); coding-DNA position 145, one base deleted (A; older notation c.145delA).
Protein change: p.Arg49fs; shifts the reading frame from arginine 49.
Molecular consequence: frameshift variant.
Genome position (GRCh38, 1-based): chr5:149,977,797, A deleted. VCF-style (leftmost placement, unchanged base first): chr5-149977796-CA-C. GRCh37 (hg19) VCF-style: chr5-149357359-CA-C.
Other names: short protein forms R49fs.
Identifiers: ClinVar variation 928889 (VCV000928889.5), dbSNP rs1265764649, ClinGen allele CA563955676.

ClinVar aggregate classification (germline): Pathogenic/Likely pathogenic. Review status: criteria provided, multiple submitters, no conflicts (2 of 4 stars). 4 submissions from 4 submitters: Pathogenic (2); Likely pathogenic (1). 1 of the submissions does not count toward it. Last evaluated 2024-01-29.

Conditions:
Sulfate transporter-related osteochondrodysplasia. Also called: DTDST-related dysplasias. Identifiers: MedGen CN120497. Disease mechanism: loss of function.
Achondrogenesis, type IB (ACG1B). Also called: Achondrogenesis Type 1B. Identifiers: Orphanet 932, Orphanet 93298, MedGen C0265274, MONDO:0010966, OMIM 600972.

Allele frequency attached by ClinVar (database versions not stated): gnomAD exomes below 0.00001; TOPMed below 0.00001; gnomAD 0.00001.

Submissions (4):

GeneDx
Classification: Pathogenic. Last evaluated: 2024-01-29. Review status: criteria provided, single submitter. Criteria: GeneDx Variant Classification Process June 2021. Collection method: clinical testing. Allele origin: germline. Affected: yes.
Comment: Frameshift variant predicted to result in protein truncation or nonsense mediated decay in a gene for which loss of function is a known mechanism of disease; Not observed at significant frequency in large population cohorts (gnomAD); This variant is associated with the following publications: (PMID: 21077202)

Baylor Genetics
Classification: Pathogenic for Achondrogenesis, type IB. Last evaluated: 2023-11-23. Review status: criteria provided, single submitter. Criteria: ACMG Guidelines, 2015. Collection method: clinical testing. Allele origin: unknown.

Women's Health and Genetics/Laboratory Corporation of America, LabCorp
Classification: Likely pathogenic for Osteochondrodysplasia. Last evaluated: 2019-11-18. Review status: criteria provided, single submitter. Criteria: LabCorp Variant Classification Summary - May 2015. Collection method: clinical testing. Allele origin: germline.
Comment: Variant summary: SLC26A2 c.145delA (p.Arg49AspfsX40) results in a premature termination codon, predicted to cause a truncation of the encoded protein or absence of the protein due to nonsense mediated decay, which are commonly known mechanisms for disease. Truncations downstream of this position have been classified as pathogenic by our laboratory. The variant allele was found at a frequency of 4e-06 in 251140 control chromosomes (gnomAD). c.145delA has been reported in the literature in at least one compound heterozygous individual affected with Sulfate Transporter-Related Osteochondrodysplasia (Atelosteogenesis Type II) (Dwyer_2010). These data do not allow clear conclusion about variant significance. To our knowledge, no experimental evidence demonstrating an impact on protein function has been reported. No clinical diagnostic laboratories have submitted clinical-significance assessments for this variant to ClinVar after 2014. Based on the evidence outlined above, the variant was classified as likely pathogenic.

Natera, Inc.
Classification: Likely pathogenic for Achondrogenesis type IB. Last evaluated: 2020-12-07. Review status: no assertion criteria provided. Collection method: clinical testing. Allele origin: germline. Not counted in ClinVar's aggregate classification.

Literature cited by the submitters: PubMed 21077202 (cited by Women's Health and Genetics/Laboratory Corporation of America, LabCorp).